The following is an entry in ClinVar:

NM_001037333.3(CYFIP2):c.722T>C (p.Ile241Thr)

Gene: CYFIP2 (cytoplasmic FMR1 interacting protein 2; plus strand). Cytogenetic location: 5q33.3.
Variant type: single nucleotide variant.
Coding change: c.722T>C on transcript NM_001037333.3 (MANE Select); coding-DNA position 722, T replaced by C.
Protein change: p.Ile241Thr; replaces isoleucine 241 with threonine.
Molecular consequence: missense variant.
Genome position (GRCh38, 1-based): chr5:157,304,293, T>C. VCF-style: chr5-157304293-T-C. GRCh37 (hg19) VCF-style: chr5-156731301-T-C.
Other names: c.644T>C, p.Ile215Thr (NM_001291721.2); c.722T>C, p.Ile241Thr (NM_001291722.2, NM_014376.4); short protein forms I215T, I241T.
Identifiers: ClinVar variation 3373363 (VCV003373363.1).

ClinVar aggregate classification (germline): Uncertain significance (1 of 4 stars; one submission).

Submission:

GeneDx
Classification: Uncertain significance. Last evaluated: 2024-05-01. Review status: criteria provided, single submitter. Criteria: GeneDx Variant Classification Process June 2021. Collection method: clinical testing. Allele origin: germline. Affected: yes.
Comment: Not observed at significant frequency in large population cohorts (gnomAD); In silico analysis supports that this missense variant has a deleterious effect on protein structure/function; Has not been previously published as pathogenic or benign to our knowledge